The following is an entry in ClinVar:

NM_006267.5(RANBP2):c.8729T>C (p.Ile2910Thr)

Gene: RANBP2 (RAN binding protein 2; plus strand). Cytogenetic location: 2q13.
Variant type: single nucleotide variant.
Coding change: c.8729T>C on transcript NM_006267.5 (MANE Select); coding-DNA position 8729, T replaced by C.
Protein change: p.Ile2910Thr; replaces isoleucine 2910 with threonine.
Molecular consequence: missense variant.
Genome position (GRCh38, 1-based): chr2:108,781,398, T>C. VCF-style: chr2-108781398-T-C. GRCh37 (hg19) VCF-style: chr2-109397854-T-C.
Other names: short protein forms I2910T.
Identifiers: ClinVar variation 572434 (VCV000572434.12), dbSNP rs575473077, ClinGen allele CA1823904.

ClinVar aggregate classification (germline): Uncertain significance. Review status: criteria provided, multiple submitters, no conflicts (2 of 4 stars). 3 submissions from 3 submitters: Uncertain significance (3). Last evaluated 2024-08-07.

Conditions:
Familial acute necrotizing encephalopathy (IIAE3). Also called: ENCEPHALOPATHY, ACUTE, INFECTION-INDUCED, SUSCEPTIBILITY TO, 3; Susceptibility to Acute Necrotizing Encephalopathy 1. Identifiers: Orphanet 88619, MedGen C2675556, MONDO:0011953, OMIM 608033.

Allele frequency attached by ClinVar (database versions not stated): gnomAD 0.00001 and 0.00002; gnomAD exomes 0.00001 and 0.00003; ExAC 0.00002; TOPMed 0.00003; 1000 Genomes Project 30x 0.00016; 1000 Genomes Project 0.00020.
gnomAD v4.1: 23 of 1,614,150 alleles (0.0014%); highest among the groups gnomAD compares: Admixed American, 0.022%; no homozygotes.

Submissions (3):

Ambry Genetics
Classification: Uncertain significance. Last evaluated: 2024-08-07. Review status: criteria provided, single submitter. Criteria: Ambry Variant Classification Scheme 2023. Collection method: clinical testing. Allele origin: germline.

Labcorp Genetics (formerly Invitae), Labcorp
Classification: Uncertain significance for Familial acute necrotizing encephalopathy. Last evaluated: 2022-02-04. Review status: criteria provided, single submitter. Criteria: Invitae Variant Classification Sherloc (09022015). Collection method: clinical testing. Allele origin: germline.
Comment: In summary, the available evidence is currently insufficient to determine the role of this variant in disease. Therefore, it has been classified as a Variant of Uncertain Significance. Algorithms developed to predict the effect of missense changes on protein structure and function (SIFT, PolyPhen-2, Align-GVGD) all suggest that this variant is likely to be disruptive. ClinVar contains an entry for this variant (Variation ID: 572434). This variant has not been reported in the literature in individuals affected with RANBP2-related conditions. This variant is present in population databases (rs575473077, gnomAD 0.02%). This sequence change replaces isoleucine, which is neutral and non-polar, with threonine, which is neutral and polar, at codon 2910 of the RANBP2 protein (p.Ile2910Thr).

Breakthrough Genomics
Classification: Uncertain significance. Review status: criteria provided, single submitter. Criteria: ACMG Guidelines, 2015. Collection method: not provided. Allele origin: germline. Inheritance: Autosomal dominant inheritance. Affected: yes.